The following is an entry in ClinVar:

NM_000059.4(BRCA2):c.8366dup (p.Tyr2789Ter)

Gene: BRCA2 (BRCA2 DNA repair associated; plus strand). Cytogenetic location: 13q13.1.
Variant type: Duplication.
Coding change: c.8366dup on transcript NM_000059.4 (MANE Select); coding-DNA position 8366, one base duplicated (A; older notation c.8366dupA).
Protein change: p.Tyr2789Ter; replaces tyrosine 2789 with a stop codon.
Molecular consequence: nonsense.
Genome position (GRCh38, 1-based): chr13:32,370,436, A duplicated. VCF-style (leftmost placement, unchanged base first): chr13-32370435-T-TA. GRCh37 (hg19) VCF-style: chr13-32944572-T-TA.
Other names: short protein forms Y2789*.
Identifiers: ClinVar variation 1452706 (VCV001452706.6), dbSNP rs1566248731, ClinGen allele CA919242910.

ClinVar aggregate classification (germline): Pathogenic (1 of 4 stars; one submission).

Conditions:
Hereditary breast ovarian cancer syndrome. Also called: Hereditary breast and ovarian cancer; Hereditary breast and ovarian cancer syndrome (HBOC); Breast and ovarian cancer; Hereditary breast and ovarian cancer syndrome; Hereditary breast and/or ovarian cancer syndrome; BRCA1- and BRCA2-Associated Hereditary Breast and Ovarian Cancer. Identifiers: Orphanet 145, MedGen C0677776, MeSH D061325, MONDO:0003582. Disease mechanism: loss of function.

Submission:

Labcorp Genetics (formerly Invitae), Labcorp
Classification: Pathogenic for Hereditary breast ovarian cancer syndrome. Last evaluated: 2021-11-05. Review status: criteria provided, single submitter. Criteria: Invitae Variant Classification Sherloc (09022015). Collection method: clinical testing. Allele origin: germline.
Comment: For these reasons, this variant has been classified as Pathogenic. RNA analysis indicates that this premature translational stop signal does not impact mRNA splicing (Invitae). This premature translational stop signal has been observed in individual(s) with breast cancer (PMID: 29752822). This variant is not present in population databases (gnomAD no frequency). This sequence change creates a premature translational stop signal (p.Tyr2789*) in the BRCA2 gene. It is expected to result in an absent or disrupted protein product. Loss-of-function variants in BRCA2 are known to be pathogenic (PMID: 20104584).

Literature cited by the submitters: PubMed 29752822; PubMed 20104584.